The following is an entry in ClinVar:

ClinVar aggregate classification (germline): Benign/Likely benign. Review status: criteria provided, multiple submitters, no conflicts (2 of 4 stars). 3 submissions from 3 submitters: Benign (1); Likely benign (2). Last evaluated 2025-05-22.

Conditions:
USP9X-related disorder. Also called: USP9X-related condition.
Inborn genetic diseases. Identifiers: MedGen C0950123, MeSH D030342.

Allele frequency attached by ClinVar (database versions not stated): gnomAD exomes 0.00002; gnomAD 0.00005; ExAC 0.00006; TOPMed 0.00007; 1000 Genomes Project 30x 0.00021; 1000 Genomes Project 0.00026.
gnomAD v4.1: 32 of 1,209,820 alleles (0.0026%); highest among the groups gnomAD compares: East Asian, 0.071%; no homozygotes.

Submissions (3):

PreventionGenetics, part of Exact Sciences
Classification: Likely benign for USP9X-related condition. Last evaluated: 2025-05-22. Review status: criteria provided, single submitter. Criteria: ACMG Guidelines, 2015. Collection method: clinical testing. Allele origin: germline.
Comment: This variant is classified as likely benign based on ACMG/AMP sequence variant interpretation guidelines (Richards et al. 2015 PMID: 25741868, with internal and published modifications).

Labcorp Genetics (formerly Invitae), Labcorp
Classification: Benign. Last evaluated: 2025-01-08. Review status: criteria provided, single submitter. Criteria: Invitae Variant Classification Sherloc (09022015). Collection method: clinical testing. Allele origin: germline.

Ambry Genetics
Classification: Likely benign for Inborn genetic diseases. Last evaluated: 2024-07-31. Review status: criteria provided, single submitter. Criteria: Ambry Variant Classification Scheme 2023. Collection method: clinical testing. Allele origin: germline.

NM_001039591.3(USP9X):c.378A>G (p.Ile126Met)

Gene: USP9X (ubiquitin specific peptidase 9 X-linked; plus strand). Cytogenetic location: Xp11.4.
Variant type: single nucleotide variant.
Coding change: c.378A>G on transcript NM_001039591.3 (MANE Select); coding-DNA position 378, A replaced by G.
Protein change: p.Ile126Met; replaces isoleucine 126 with methionine.
Molecular consequence: missense variant.
Genome position (GRCh38, 1-based): chrX:41,134,780, A>G. VCF-style: chrX-41134780-A-G. GRCh37 (hg19) VCF-style: chrX-40994033-A-G.
Other names: c.378A>G (NM_001039590.2); c.378A>G, p.Ile126Met (NM_001039590.3, NM_001410748.1, NM_001410749.1); short protein forms I126M.
Identifiers: ClinVar variation 2058466 (VCV002058466.6), dbSNP rs199539197, ClinGen allele CA10388310.